The following is an entry in ClinVar:

ClinVar aggregate classification (germline): Likely benign (1 of 4 stars; one submission).

Submission:

CeGaT Center for Human Genetics Tuebingen
Classification: Likely benign. Last evaluated: 2026-09-01. Review status: criteria provided, single submitter. Criteria: CeGaT Center For Human Genetics Tuebingen Variant Classification Criteria Version 2. Collection method: clinical testing. Allele origin: germline. Affected: yes. Observed: 1 variant allele.
Comment: NTRK2: PP2, BS2

NC_000009.12:g.85095054G>A

Gene: NTRK2 (neurotrophic receptor tyrosine kinase 2; plus strand). Cytogenetic location: 9q21.33.
Variant type: single nucleotide variant.
Genome position: GRCh38 VCF-style: chr9-85095054-G-A. GRCh37 (hg19) VCF-style: chr9-87709969-G-A.
Identifiers: ClinVar variation 5041341 (VCV005041341.1).